The following is an entry in ClinVar:

NM_000143.4(FH):c.1149T>C (p.Val383=)

Gene: FH (fumarate hydratase; minus strand). Cytogenetic location: 1q43.
Variant type: single nucleotide variant.
Coding change: c.1149T>C on transcript NM_000143.4 (MANE Select); coding-DNA position 1149, T replaced by C.
Protein change: p.Val383=; no amino-acid change (valine 383 retained).
Molecular consequence: synonymous variant.
Genome position (GRCh38, 1-based): chr1:241,502,530, A>G on the plus strand (T>C on the coding strand, the complement: FH is on the minus strand). VCF-style: chr1-241502530-A-G. GRCh37 (hg19) VCF-style: chr1-241665830-A-G.
Identifiers: ClinVar variation 1733421 (VCV001733421.5), dbSNP rs2147914979, ClinGen allele CA424075701.

ClinVar aggregate classification (germline): Benign/Likely benign. Review status: criteria provided, multiple submitters, no conflicts (2 of 4 stars). 3 submissions from 3 submitters: Benign (1); Likely benign (2). Last evaluated 2024-10-21.

Conditions:
Hereditary cancer-predisposing syndrome. Also called: Tumor predisposition; Neoplastic Syndromes, Hereditary; Hereditary Cancer Syndrome; Hereditary neoplastic syndrome. Identifiers: Orphanet 140162, MedGen C0027672, MeSH D009386, MONDO:0015356.
Hereditary leiomyomatosis and renal cell cancer. Also called: LEIOMYOMA, MULTIPLE CUTANEOUS; MULTIPLE CUTANEOUS AND UTERINE LEIOMYOMATA 1, WITH OR WITHOUT RENAL CELL CARCINOMA; FH tumor predisposition syndrome; Reed syndrome; Multiple cutaneous and uterine leiomyomatosis; Cutaneous leiomyomata with uterine leiomyomata. Identifiers: Orphanet 523, MedGen C1708350, MONDO:0007888, OMIM 150800, HP:0007437. Disease mechanism: loss of function.

Submissions (3):

Myriad Genetics, Inc.
Classification: Benign for Hereditary leiomyomatosis and renal cell cancer. Last evaluated: 2024-10-21. Review status: criteria provided, single submitter. Criteria: Myriad Autosomal Dominant, Autosomal Recessive and X-Linked Classification Criteria (2023). Collection method: clinical testing. Allele origin: unknown.
Comment: This variant is considered benign. This variant is a silent/synonymous amino acid change and it is not expected to impact splicing.

Labcorp Genetics (formerly Invitae), Labcorp
Classification: Likely benign. Last evaluated: 2024-02-03. Review status: criteria provided, single submitter. Criteria: Invitae Variant Classification Sherloc (09022015). Collection method: clinical testing. Allele origin: germline.

Ambry Genetics
Classification: Likely benign for Hereditary cancer-predisposing syndrome. Last evaluated: 2020-07-30. Review status: criteria provided, single submitter. Criteria: Ambry Variant Classification Scheme 2023. Collection method: clinical testing. Allele origin: germline.